The following is an entry in ClinVar:

ClinVar aggregate classification (germline): Uncertain significance (1 of 4 stars; one submission).

Conditions:
Spastic paraplegia. Identifiers: MedGen C0037772, HP:0001258.

Submission:

Labcorp Genetics (formerly Invitae), Labcorp
Classification: Uncertain significance for Spastic paraplegia. Last evaluated: 2022-03-27. Review status: criteria provided, single submitter. Criteria: Invitae Variant Classification Sherloc (09022015). Collection method: clinical testing. Allele origin: germline.
Comment: This variant, c.2215_2217delinsTGGTGGGCTTGT, is a complex sequence change that results in the deletion of 1 and insertion of 4 amino acid(s) in the ZFYVE26 protein (p.Arg739delinsTrpTrpAlaCys). This variant is not present in population databases (gnomAD no frequency). This variant has not been reported in the literature in individuals affected with ZFYVE26-related conditions. Experimental studies and prediction algorithms are not available or were not evaluated, and the functional significance of this variant is currently unknown. In summary, the available evidence is currently insufficient to determine the role of this variant in disease. Therefore, it has been classified as a Variant of Uncertain Significance.

NM_015346.4(ZFYVE26):c.2215_2217delinsTGGTGGGCTTGT (p.Arg739delinsTrpTrpAlaCys)

Gene: ZFYVE26 (zinc finger FYVE-type containing 26; minus strand). Cytogenetic location: 14q24.1.
Variant type: Indel.
Coding change: c.2215_2217delinsTGGTGGGCTTGT on transcript NM_015346.4 (MANE Select); coding-DNA positions 2215 to 2217, AGA replaced by TGGTGGGCTTGT.
Protein change: p.Arg739delinsTrpTrpAlaCys.
Molecular consequence: inframe indel.
Genome position (GRCh38, 1-based): chr14:67,798,045-67,798,047, TCT replaced by ACAAGCCCACCA on the plus strand (AGA replaced by TGGTGGGCTTGT on the coding strand, the reverse complement: ZFYVE26 is on the minus strand). VCF-style: chr14-67798045-TCT-ACAAGCCCACCA. GRCh37 (hg19) VCF-style: chr14-68264762-TCT-ACAAGCCCACCA.
Identifiers: ClinVar variation 2420336 (VCV002420336.3), dbSNP rs2502855766, ClinGen allele CA2580088599.